The following is an entry in ClinVar:

NM_015057.5(MYCBP2):c.13403T>A (p.Ile4468Lys)

Gene: MYCBP2 (MYC binding protein 2; minus strand). Cytogenetic location: 13q22.3.
Variant type: single nucleotide variant.
Coding change: c.13403T>A on transcript NM_015057.5 (MANE Select); coding-DNA position 13403, T replaced by A.
Protein change: p.Ile4468Lys; replaces isoleucine 4468 with lysine.
Molecular consequence: missense variant.
Genome position (GRCh38, 1-based): chr13:77,057,020, A>T on the plus strand (T>A on the coding strand, the complement: MYCBP2 is on the minus strand). VCF-style: chr13-77057020-A-T. GRCh37 (hg19) VCF-style: chr13-77631155-A-T.
Other names: short protein forms I4468K.
Identifiers: ClinVar variation 5037662 (VCV005037662.1).

ClinVar aggregate classification (germline): Uncertain significance (1 of 4 stars; one submission).

Submission:

GeneDx
Classification: Uncertain significance. Last evaluated: 2026-04-25. Review status: criteria provided, single submitter. Criteria: GeneDx Variant Classification Process June 2021. Collection method: clinical testing. Allele origin: germline.
Comment: Not observed at significant frequency in large population cohorts (gnomAD); In silico analysis supports that this missense variant has a deleterious effect on protein structure/function; Has not been previously published as pathogenic or benign to our knowledge